The following is an entry in ClinVar:

NM_001080517.3(SETD5):c.3110T>C (p.Leu1037Pro)

Gene: SETD5 (SET domain containing 5; plus strand). Cytogenetic location: 3p25.3.
Variant type: single nucleotide variant.
Coding change: c.3110T>C on transcript NM_001080517.3 (MANE Select); coding-DNA position 3110, T replaced by C.
Protein change: p.Leu1037Pro; replaces leucine 1037 with proline.
Molecular consequence: missense variant.
Genome position (GRCh38, 1-based): chr3:9,470,844, T>C. VCF-style: chr3-9470844-T-C. GRCh37 (hg19) VCF-style: chr3-9512528-T-C.
Other names: c.2816T>C, p.Leu939Pro (NM_001292043.2, NM_001349451.2); short protein forms L1037P, L939P.
Identifiers: ClinVar variation 2576741 (VCV002576741.1), dbSNP rs2473812555, ClinGen allele CA351682527.

ClinVar aggregate classification (germline): Uncertain significance (1 of 4 stars; one submission).

Submission:

GeneDx
Classification: Uncertain significance. Last evaluated: 2023-02-19. Review status: criteria provided, single submitter. Criteria: GeneDx Variant Classification Process June 2021. Collection method: clinical testing. Allele origin: germline. Affected: yes.
Comment: Not observed at significant frequency in large population cohorts (gnomAD); In silico analysis supports that this missense variant does not alter protein structure/function; Has not been previously published as pathogenic or benign to our knowledge